The following is an entry in ClinVar:

NM_198859.4(PRICKLE2):c.2375G>A (p.Gly792Glu)

Genes: PRICKLE2 (prickle planar cell polarity protein 2; minus strand), PRICKLE2-AS1 (PRICKLE2 antisense RNA 1; plus strand). Cytogenetic location: 3p14.1.
Variant type: single nucleotide variant.
Coding change: c.2375G>A on transcript NM_198859.4 (MANE Select); coding-DNA position 2375, G replaced by A.
Protein change: p.Gly792Glu; replaces glycine 792 with glutamic acid.
Molecular consequence: missense variant. On other transcripts: non-coding transcript variant (1).
Genome position (GRCh38, 1-based): chr3:64,099,211, C>T on the plus strand (G>A on the coding strand, the complement: PRICKLE2 is on the minus strand). VCF-style: chr3-64099211-C-T. GRCh37 (hg19) VCF-style: chr3-64084887-C-T.
Other names: c.2375G>A, p.Gly792Glu (NM_001370528.1); short protein forms G792E.
Identifiers: ClinVar variation 2803145 (VCV002803145.3), dbSNP rs776108509, ClinGen allele CA2479447.

ClinVar aggregate classification (germline): Uncertain significance (1 of 4 stars; one submission).

Conditions:
Progressive myoclonic epilepsy type 5. Identifiers: Orphanet 402082, MedGen C5190799.

Allele frequency attached by ClinVar (database versions not stated): gnomAD exomes below 0.00001; TOPMed below 0.00001; ExAC 0.00001; gnomAD 0.00001.
gnomAD v4.1: 3 of 1,614,044 alleles (0.00019%); highest among the groups gnomAD compares: Admixed American, 0.0017%; no homozygotes.

Submission:

Labcorp Genetics (formerly Invitae), Labcorp
Classification: Uncertain significance for Progressive myoclonic epilepsy type 5. Last evaluated: 2023-08-03. Review status: criteria provided, single submitter. Criteria: Invitae Variant Classification Sherloc (09022015). Collection method: clinical testing. Allele origin: germline.
Comment: Advanced modeling of protein sequence and biophysical properties (such as structural, functional, and spatial information, amino acid conservation, physicochemical variation, residue mobility, and thermodynamic stability) performed at Invitae indicates that this missense variant is expected to disrupt PRICKLE2 protein function. In summary, the available evidence is currently insufficient to determine the role of this variant in disease. Therefore, it has been classified as a Variant of Uncertain Significance. This variant has not been reported in the literature in individuals affected with PRICKLE2-related conditions. This variant is present in population databases (rs776108509, gnomAD 0.003%). This sequence change replaces glycine, which is neutral and non-polar, with glutamic acid, which is acidic and polar, at codon 792 of the PRICKLE2 protein (p.Gly792Glu).